The following is an entry in ClinVar:

NM_000548.5(TSC2):c.847A>G (p.Arg283Gly)

Gene: TSC2 (TSC complex subunit 2; plus strand). Cytogenetic location: 16p13.3.
Variant type: single nucleotide variant.
Coding change: c.847A>G on transcript NM_000548.5 (MANE Select); coding-DNA position 847, A replaced by G.
Protein change: p.Arg283Gly; replaces arginine 283 with glycine.
Molecular consequence: missense variant.
Genome position (GRCh38, 1-based): chr16:2,057,177, A>G. VCF-style: chr16-2057177-A-G. GRCh37 (hg19) VCF-style: chr16-2107178-A-G.
Other names: c.736A>G, p.Arg246Gly (NM_001318827.2); c.700A>G, p.Arg234Gly (NM_001318829.2); c.847A>G, p.Arg283Gly (NM_001077183.3, NM_001114382.3, NM_001363528.2 and 3 more transcripts); c.247A>G, p.Arg83Gly (NM_001318831.2); c.880A>G, p.Arg294Gly (NM_001318832.2); short protein forms R246G, R83G, R283G, R294G, R234G.
Identifiers: ClinVar variation 665722 (VCV000665722.12), dbSNP rs1596280931, ClinGen allele CA394313584.
Genomic context (GRCh38, chr16:2,057,177, plus strand): 5'-CTCCTTGGCACCCACCTGGGCCACAGCGCCATCTACAACATGTGCCACCTCATGGAGGAC[A>G]GGTGAGTGTGGTGGGTGGGGCGCAGGGCAGTGGAGGCCAGCACAGCCCTCGGGGCAGCTC-3'
Protein context (NP_000539.2, residues 273-293): IYNMCHLMED[Arg283Gly]AYMEDAPLLR

ClinVar aggregate classification (germline): Uncertain significance. Review status: criteria provided, multiple submitters, no conflicts (2 of 4 stars). 4 submissions from 4 submitters: Uncertain significance (4). Last evaluated 2025-08-25.

Conditions:
Tuberous sclerosis 2 (TSC2). Identifiers: Orphanet 805, MedGen C1860707, MONDO:0013199, OMIM 613254.
Tuberous sclerosis syndrome (TSC). Also called: Tuberous Sclerosis Complex; Tuberous sclerosis. Identifiers: Orphanet 805, MedGen C0041341, MONDO:0001734.
Hereditary cancer-predisposing syndrome. Also called: Neoplastic Syndromes, Hereditary; Hereditary neoplastic syndrome; Tumor predisposition; Hereditary Cancer Syndrome. Identifiers: Orphanet 140162, MedGen C0027672, MeSH D009386, MONDO:0015356.
Isolated focal cortical dysplasia type II (FCORD2). Also called: CORTICAL DYSPLASIA OF TAYLOR; Focal cortical dysplasia type II. Identifiers: Orphanet 268994, MedGen C1846385, MONDO:0011818, OMIM 607341, HP:0032051.

Allele frequency attached by ClinVar (database versions not stated): gnomAD exomes below 0.00001.
gnomAD v4.1: 1 of 1,551,736 alleles (0.000064%); highest among the groups gnomAD compares: Non-Finnish European, 0.000087%; no homozygotes.

Submissions (4):

Color Diagnostics, LLC DBA Color Health
Classification: Uncertain significance for Tuberous sclerosis syndrome. Last evaluated: 2025-08-25. Review status: criteria provided, single submitter. Criteria: ACMG Guidelines, 2015. Collection method: clinical testing. Allele origin: germline.
Comment: This missense variant replaces arginine with glycine at codon 283 of the TSC2 protein. Computational prediction suggests that this variant may not impact protein structure and function. To our knowledge, functional studies have not been reported for this variant. This variant has not been reported in individuals affected with TSC2-related disorders in the literature. This variant has not been identified in the general population by the Genome Aggregation Database (gnomAD). The available evidence is insufficient to determine the role of this variant in disease conclusively. Therefore, this variant is classified as a Variant of Uncertain Significance.

Baylor Genetics
Classification: Uncertain significance for Isolated focal cortical dysplasia type II. Last evaluated: 2023-10-04. Review status: criteria provided, single submitter. Criteria: ACMG Guidelines, 2015. Collection method: clinical testing. Allele origin: unknown.

Labcorp Genetics (formerly Invitae), Labcorp
Classification: Uncertain significance for Tuberous sclerosis 2. Last evaluated: 2023-08-24. Review status: criteria provided, single submitter. Criteria: Invitae Variant Classification Sherloc (09022015). Collection method: clinical testing. Allele origin: germline.
Comment: In summary, the available evidence is currently insufficient to determine the role of this variant in disease. Therefore, it has been classified as a Variant of Uncertain Significance. An algorithm developed to predict the effect of missense changes on protein structure and function (PolyPhen-2) suggests that this variant is likely to be tolerated. ClinVar contains an entry for this variant (Variation ID: 665722). This variant has not been reported in the literature in individuals affected with TSC2-related conditions. This variant is not present in population databases (gnomAD no frequency). This sequence change replaces arginine, which is basic and polar, with glycine, which is neutral and non-polar, at codon 283 of the TSC2 protein (p.Arg283Gly).

Ambry Genetics
Classification: Uncertain significance for Hereditary cancer-predisposing syndrome. Last evaluated: 2022-07-01. Review status: criteria provided, single submitter. Criteria: Ambry Variant Classification Scheme 2023. Collection method: clinical testing. Allele origin: germline.
Comment: The p.R283G variant (also known as c.847A>G), located in coding exon 8 of the TSC2 gene, results from an A to G substitution at nucleotide position 847. The arginine at codon 283 is replaced by glycine, an amino acid with dissimilar properties. This amino acid position is conserved. In addition, this alteration is predicted to be deleterious by in silico analysis. Since supporting evidence is limited at this time, the clinical significance of this alteration remains unclear.